The following is an entry in ClinVar:

ClinVar aggregate classification (germline): Uncertain significance (1 of 4 stars; one submission).

Allele frequency attached by ClinVar (database versions not stated): gnomAD exomes 0.00001; gnomAD 0.00002.

Submission:

Labcorp Genetics (formerly Invitae), Labcorp
Classification: Uncertain significance. Last evaluated: 2025-09-02. Review status: criteria provided, single submitter. Criteria: Invitae Variant Classification Sherloc (09022015). Collection method: clinical testing. Allele origin: germline.
Comment: This sequence change replaces glycine, which is neutral and non-polar, with arginine, which is basic and polar, at codon 100 of the FOXI3 protein (p.Gly100Arg). This variant is present in population databases (no rsID available, gnomAD 0.007%). This variant has not been reported in the literature in individuals affected with FOXI3-related conditions. ClinVar contains an entry for this variant (Variation ID: 1429059). Experimental studies and prediction algorithms are not available or were not evaluated, and the functional significance of this variant is currently unknown. In summary, the available evidence is currently insufficient to determine the role of this variant in disease. Therefore, it has been classified as a Variant of Uncertain Significance.

NM_001135649.3(FOXI3):c.298G>C (p.Gly100Arg)

Gene: FOXI3 (forkhead box I3; minus strand). Cytogenetic location: 2p11.2.
Variant type: single nucleotide variant.
Coding change: c.298G>C on transcript NM_001135649.3 (MANE Select); coding-DNA position 298, G replaced by C.
Protein change: p.Gly100Arg; replaces glycine 100 with arginine.
Molecular consequence: missense variant.
Genome position (GRCh38, 1-based): chr2:88,452,238, C>G on the plus strand (G>C on the coding strand, the complement: FOXI3 is on the minus strand). VCF-style: chr2-88452238-C-G. GRCh37 (hg19) VCF-style: chr2-88751756-C-G.
Other names: short protein forms G100R.
Identifiers: ClinVar variation 1429059 (VCV001429059.6), dbSNP rs1340990605, ClinGen allele CA347766651.
Genomic context (GRCh38, chr2:88,452,238, plus strand): 5'-GCGAGGCGGGCGCGGCGGGCGCGGGCTGCGCGAAGGGCCGCTGAGAGCAGCCGAAGGTGC[C>G]GGCGGCAGGCGGTGGCTGCAGAAAGGGCCCGGCCGCGGCCCCGGGGGGCGGCGGCGGCGG-3'
Protein context (NP_001129121.1, residues 90-110): GPFLQPPPAA[Gly100Arg]TFGCSQRPFA